The following is an entry in ClinVar:

NM_020800.3(IFT80):c.1715C>T (p.Thr572Ile)

Genes: IFT80 (intraflagellar transport 80; minus strand), TRIM59-IFT80 (TRIM59-IFT80 readthrough (NMD candidate); minus strand). Cytogenetic location: 3q25.33.
Variant type: single nucleotide variant.
Coding change: c.1715C>T on transcript NM_020800.3 (MANE Select); coding-DNA position 1715, C replaced by T.
Protein change: p.Thr572Ile; replaces threonine 572 with isoleucine.
Molecular consequence: missense variant. On other transcripts: non-coding transcript variant (3).
Genome position (GRCh38, 1-based): chr3:160,279,314, G>A on the plus strand (C>T on the coding strand, the complement: IFT80 is on the minus strand). VCF-style: chr3-160279314-G-A. GRCh37 (hg19) VCF-style: chr3-159997102-G-A.
Other names: c.1304C>T, p.Thr435Ile (NM_001190241.2, NM_001190242.2); c.1715C>T (NM_020800.2); short protein forms T435I, T572I.
Identifiers: ClinVar variation 1398961 (VCV001398961.8), dbSNP rs751538474, ClinGen allele CA2685066.

ClinVar aggregate classification (germline): Uncertain significance. Review status: criteria provided, multiple submitters, no conflicts (2 of 4 stars). 3 submissions from 3 submitters: Uncertain significance (3). Last evaluated 2025-02-24.

Conditions:
Jeune thoracic dystrophy. Also called: Jeune syndrome; Infantile thoracic dystrophy; Thoracic pelvic phalangeal dystrophy; Jeune's syndrome; Chondroectodermal dysplasia-like syndrome; Short-rib thoracic dysplasia. Identifiers: Orphanet 474, MedGen C0265275, MONDO:0018770.
Asphyxiating thoracic dystrophy 2 (SRTD2). Also called: SHORT-RIB THORACIC DYSPLASIA 2 WITH OR WITHOUT POLYDACTYLY; SHORT-RIB THORACIC DYSPLASIA 2 WITH POLYDACTYLY; SHORT-RIB THORACIC DYSPLASIA 2 WITHOUT POLYDACTYLY. Identifiers: Orphanet 474, MedGen C1970005, MONDO:0012644, OMIM 611263.
Inborn genetic diseases. Identifiers: MedGen C0950123, MeSH D030342.

Allele frequency attached by ClinVar (database versions not stated): TOPMed below 0.00001; gnomAD 0.00001; ExAC 0.00002; gnomAD exomes 0.00002.
gnomAD v4.1: 10 of 1,612,874 alleles (0.00062%); highest among the groups gnomAD compares: Admixed American, 0.015%; 1 homozygote.

Submissions (3):

Ambry Genetics
Classification: Uncertain significance for Inborn genetic diseases. Last evaluated: 2025-02-24. Review status: criteria provided, single submitter. Criteria: Ambry Variant Classification Scheme 2023. Collection method: clinical testing. Allele origin: germline.

Labcorp Genetics (formerly Invitae), Labcorp
Classification: Uncertain significance for Jeune thoracic dystrophy. Last evaluated: 2024-10-16. Review status: criteria provided, single submitter. Criteria: Invitae Variant Classification Sherloc (09022015). Collection method: clinical testing. Allele origin: germline.
Comment: This sequence change replaces threonine, which is neutral and polar, with isoleucine, which is neutral and non-polar, at codon 572 of the IFT80 protein (p.Thr572Ile). This variant is present in population databases (rs751538474, gnomAD 0.02%). This variant has not been reported in the literature in individuals affected with IFT80-related conditions. ClinVar contains an entry for this variant (Variation ID: 1398961). Invitae Evidence Modeling of protein sequence and biophysical properties (such as structural, functional, and spatial information, amino acid conservation, physicochemical variation, residue mobility, and thermodynamic stability) indicates that this missense variant is not expected to disrupt IFT80 protein function with a negative predictive value of 80%. In summary, the available evidence is currently insufficient to determine the role of this variant in disease. Therefore, it has been classified as a Variant of Uncertain Significance.

Fulgent Genetics
Classification: Uncertain significance for Asphyxiating thoracic dystrophy 2. Last evaluated: 2024-05-08. Review status: criteria provided, single submitter. Criteria: ACMG Guidelines, 2015. Collection method: clinical testing. Allele origin: germline.